The following is an entry in ClinVar:

ClinVar aggregate classification (germline): Likely pathogenic (1 of 4 stars; one submission).

Conditions:
Hypertrophic cardiomyopathy 3. Also called: TPM1-Related Familial Hypertrophic Cardiomyopathy. Identifiers: MedGen C1861863, MONDO:0007267, OMIM 115196.

Submission:

3billion
Classification: Likely pathogenic for Hypertrophic cardiomyopathy 3. Last evaluated: 2025-03-04. Review status: criteria provided, single submitter. Criteria: ACMG Guidelines, 2015. Collection method: clinical testing. Allele origin: germline. Affected: yes.
Comment: The variant is not observed in the gnomAD v4.1.0 dataset. Predicted Consequence/Location: Missense variant In silico tool predictions suggest damaging effect of the variant on gene or gene product [REVEL: 0.82 (>=0.6, sensitivity 0.68 and specificity 0.92)]. The same nucleotide change resulting in the same amino acid change has been previously reported to be associated with TPM1-related disorder (3billion dataset).The variant has been observed in at least two similarly affected unrelated individuals (3billion dataset). A different missense change at the same codon (p.Lys264Glu) has been reported to be associated with TPM1-related disorder (PMID: 25611685). Therefore, this variant is classified as Likely pathogenic according to the recommendation of ACMG/AMP guideline.

Literature cited by the submitters: PubMed 25611685.

NM_001018005.2(TPM1):c.791A>G (p.Lys264Arg)

Gene: TPM1 (tropomyosin 1; plus strand). Cytogenetic location: 15q22.2.
Variant type: single nucleotide variant.
Coding change: c.791A>G on transcript NM_001018005.2 (MANE Select); coding-DNA position 791, A replaced by G.
Protein change: p.Lys264Arg; replaces lysine 264 with arginine.
Molecular consequence: missense variant. On other transcripts: intron variant (18), 3 prime UTR variant (3), non-coding transcript variant (7).
Genome position (GRCh38, 1-based): chr15:63,064,082, A>G. VCF-style: chr15-63064082-A-G. GRCh37 (hg19) VCF-style: chr15-63356281-A-G.
Other names: c.772+1437A>G (NM_001407328.1, NM_001407327.1, NM_001365777.1 and 8 more transcripts); c.664+1437A>G (NM_001330351.2, NM_001330344.2, NM_001018008.2 and 3 more transcripts); c.791A>G, p.Lys264Arg (NM_000366.6, NM_001301244.2, NM_001365779.1 and 8 more transcripts); c.683A>G, p.Lys228Arg (NM_001330346.2, NM_001365781.2, NM_001365782.1 and 1 more transcripts); c.917A>G, p.Lys306Arg (NM_001407322.1, NM_001407323.1, NM_001407324.1); c.*1273A>G (NM_001407325.1, NM_001407340.1, NM_001407341.1); c.898+1437A>G (NM_001365778.1); short protein forms K228R, K264R, K306R.
Identifiers: ClinVar variation 3775259 (VCV003775259.3).